The following is an entry in ClinVar:

NM_001557.4(CXCR2):c.880C>T (p.Arg294Trp)

Gene: CXCR2 (C-X-C motif chemokine receptor 2; plus strand). Cytogenetic location: 2q35.
Variant type: single nucleotide variant.
Coding change: c.880C>T on transcript NM_001557.4 (MANE Select); coding-DNA position 880, C replaced by T.
Protein change: p.Arg294Trp; replaces arginine 294 with tryptophan.
Molecular consequence: missense variant.
Genome position (GRCh38, 1-based): chr2:218,135,681, C>T. VCF-style: chr2-218135681-C-T. GRCh37 (hg19) VCF-style: chr2-219000404-C-T.
Other names: c.880C>T, p.Arg294Trp (NM_001168298.2); c.880C>T (NM_001557.3); short protein forms R294W.
Identifiers: ClinVar variation 2907002 (VCV002907002.4), dbSNP rs141145934, ClinGen allele CA2101804.
Genomic context (GRCh38, chr2:218,135,681, plus strand): 5'-GACACCCTCATGAGGACCCAGGTGATCCAGGAGACCTGTGAGCGCCGCAATCACATCGAC[C>T]GGGCTCTGGATGCCACCGAGATTCTGGGCATCCTTCACAGCTGCCTCAACCCCCTCATCT-3'
Protein context (NP_001548.1, residues 284-304): ETCERRNHID[Arg294Trp]ALDATEILGI

ClinVar aggregate classification (germline): Uncertain significance. Review status: criteria provided, multiple submitters, no conflicts (2 of 4 stars). 2 submissions from 2 submitters: Uncertain significance (2). Last evaluated 2024-10-21.

Allele frequency attached by ClinVar (database versions not stated): ExAC 0.00003; gnomAD exomes 0.00004; TOPMed 0.00007; ESP Exome Variant Server 0.00008; gnomAD 0.00009.

Submissions (2):

Labcorp Genetics (formerly Invitae), Labcorp
Classification: Uncertain significance. Last evaluated: 2024-10-21. Review status: criteria provided, single submitter. Criteria: Invitae Variant Classification Sherloc (09022015). Collection method: clinical testing. Allele origin: germline.
Comment: This sequence change replaces arginine, which is basic and polar, with tryptophan, which is neutral and slightly polar, at codon 294 of the CXCR2 protein (p.Arg294Trp). This variant is present in population databases (rs141145934, gnomAD 0.02%). This variant has not been reported in the literature in individuals affected with CXCR2-related conditions. An algorithm developed to predict the effect of missense changes on protein structure and function outputs the following: PolyPhen-2: "Benign". The tryptophan amino acid residue is found in multiple mammalian species, which suggests that this missense change does not adversely affect protein function. In summary, the available evidence is currently insufficient to determine the role of this variant in disease. Therefore, it has been classified as a Variant of Uncertain Significance.

Ambry Genetics
Classification: Uncertain significance. Last evaluated: 2024-05-20. Review status: criteria provided, single submitter. Criteria: Ambry Variant Classification Scheme 2023. Collection method: clinical testing. Allele origin: germline.